The following is an entry in ClinVar:

ClinVar aggregate classification (germline): Uncertain significance (1 of 4 stars; one submission).

Allele frequency attached by ClinVar (database versions not stated): gnomAD exomes 0.00001; ExAC 0.00002; TOPMed 0.00007; 1000 Genomes Project 30x 0.00016; 1000 Genomes Project 0.00020.
gnomAD v4.1: 30 of 1,614,140 alleles (0.0019%); highest among the groups gnomAD compares: African/African-American, 0.039%; no homozygotes.

Submission:

Labcorp Genetics (formerly Invitae), Labcorp
Classification: Uncertain significance. Last evaluated: 2022-03-05. Review status: criteria provided, single submitter. Criteria: Invitae Variant Classification Sherloc (09022015). Collection method: clinical testing. Allele origin: germline.
Comment: This sequence change replaces glycine, which is neutral and non-polar, with serine, which is neutral and polar, at codon 215 of the C1QBP protein (p.Gly215Ser). This variant is present in population databases (rs115819590, gnomAD 0.02%). This variant has not been reported in the literature in individuals affected with C1QBP-related conditions. Algorithms developed to predict the effect of missense changes on protein structure and function output the following: SIFT: "Deleterious"; PolyPhen-2: "Benign"; Align-GVGD: "Class C0". The serine amino acid residue is found in multiple mammalian species, which suggests that this missense change does not adversely affect protein function. In summary, the available evidence is currently insufficient to determine the role of this variant in disease. Therefore, it has been classified as a Variant of Uncertain Significance.

NM_001212.4(C1QBP):c.643G>A (p.Gly215Ser)

Gene: C1QBP (complement C1q binding protein; minus strand). Cytogenetic location: 17p13.2.
Variant type: single nucleotide variant.
Coding change: c.643G>A on transcript NM_001212.4 (MANE Select); coding-DNA position 643, G replaced by A.
Protein change: p.Gly215Ser; replaces glycine 215 with serine.
Molecular consequence: missense variant.
Genome position (GRCh38, 1-based): chr17:5,433,349, C>T on the plus strand (G>A on the coding strand, the complement: C1QBP is on the minus strand). VCF-style: chr17-5433349-C-T. GRCh37 (hg19) VCF-style: chr17-5336669-C-T.
Other names: short protein forms G215S.
Identifiers: ClinVar variation 2084171 (VCV002084171.1), dbSNP rs115819590, ClinGen allele CA8325216.
Genomic context (GRCh38, chr17:5,433,349, plus strand): 5'-TCACCCAGTCCAAGGAATCTGTGTTGAGTGTATAATTAGTATCCTTCCATTCAGACTCGC[C>T]AGTGGACTGAAAGCTAACTTCCCTGATAGAGAAGATGTCACTCTCAGCCTCGTCTTCTTG-3'
Protein context (NP_001203.1, residues 205-225): SIREVSFQST[Gly215Ser]ESEWKDTNYT